The following is an entry in ClinVar:

ClinVar aggregate classification (germline): Uncertain significance (1 of 4 stars; one submission).

Conditions:
Propionic acidemia (PROP). Also called: HYPERGLYCINEMIA WITH KETOACIDOSIS AND LEUKOPENIA; KETOTIC HYPERGLYCINEMIA; GLYCINEMIA, KETOTIC. Identifiers: Orphanet 35, MedGen C0268579, MONDO:0011628, OMIM 606054, HP:0003571.

Submission:

Myriad Genetics, Inc.
Classification: Uncertain significance for Propionic acidemia. Last evaluated: 2026-04-09. Review status: criteria provided, single submitter. Criteria: Myriad Autosomal Dominant, Autosomal Recessive and X-Linked Classification Criteria (2023). Collection method: clinical testing. Allele origin: unknown.
Comment: NM_000532.4(PCCB):c.1090+2_1090+4dupTAG is a variant in a canonical splice site classified as a variant of uncertain significance in the context of PCCB-related propionic acidemia. c.1090+2_1090+4dupTAG has not been observed in cases with relevant disease. Relevant functional assessments of this variant are not available in the literature. c.1090+2_1090+4dupTAG has not been observed in referenced population frequency databases. In summary, there is insufficient evidence to classify NM_000532.4(PCCB):c.1090+2_1090+4dupTAG as pathogenic or benign. Please note: this variant was assessed in the context of healthy population screening.

NM_000532.5(PCCB):c.1090+2_1090+4dup

Gene: PCCB (propionyl-CoA carboxylase subunit beta; plus strand). Cytogenetic location: 3q22.3.
Variant type: Duplication.
Coding change: c.1090+2_1090+4dup on transcript NM_000532.5 (MANE Select); the canonical splice donor site of the intron after coding-DNA position 1090 through 4 bases into the intron after coding-DNA position 1090, 3 bases duplicated (TAG; older notation c.1090+2_1090+4dupTAG).
Molecular consequence: splice donor variant.
Genome position (GRCh38, 1-based): chr3:136,317,066-136,317,068, TAG duplicated; duplicating any 3 consecutive bases within chr3:136,317,065-136,317,068 gives the same sequence; the c. name uses the placement nearest the transcript's 3' end. VCF-style (leftmost placement, unchanged base first): chr3-136317064-G-GGTA. GRCh37 (hg19) VCF-style: chr3-136035906-G-GGTA.
Other names: c.1150+2_1150+4dup (NM_001178014.2).
Identifiers: ClinVar variation 5004590 (VCV005004590.1).